The following is an entry in ClinVar:

NM_005051.3(QARS1):c.1170G>A (p.Met390Ile)

Gene: QARS1 (glutaminyl-tRNA synthetase 1; minus strand). Cytogenetic location: 3p21.31.
Variant type: single nucleotide variant.
Coding change: c.1170G>A on transcript NM_005051.3 (MANE Select); coding-DNA position 1170, G replaced by A.
Protein change: p.Met390Ile; replaces methionine 390 with isoleucine.
Molecular consequence: missense variant. On other transcripts: non-coding transcript variant (1).
Genome position (GRCh38, 1-based): chr3:49,100,086, C>T on the plus strand (G>A on the coding strand, the complement: QARS1 is on the minus strand). VCF-style: chr3-49100086-C-T. GRCh37 (hg19) VCF-style: chr3-49137519-C-T.
Other names: c.1137G>A, p.Met379Ile (NM_001272073.2); c.1170G>A (NM_005051.1); short protein forms M390I, M379I.
Identifiers: ClinVar variation 573149 (VCV000573149.12), dbSNP rs1559967769, ClinGen allele CA352709574.

ClinVar aggregate classification (germline): Uncertain significance. Review status: criteria provided, multiple submitters, no conflicts (2 of 4 stars). 4 submissions from 4 submitters: Uncertain significance (4). Last evaluated 2025-01-24.

Conditions:
Diffuse cerebral and cerebellar atrophy - intractable seizures - progressive microcephaly syndrome. Also called: Microcephaly, progressive, with seizures and cerebral and cerebellar atrophy. Identifiers: Orphanet 404437, MedGen C4014239, MONDO:0014335, OMIM 615760.
Inborn genetic diseases. Identifiers: MedGen C0950123, MeSH D030342.

Allele frequency attached by ClinVar (database versions not stated): gnomAD exomes below 0.00001; gnomAD 0.00001; TOPMed 0.00002.
gnomAD v4.1: 5 of 1,614,134 alleles (0.00031%); highest among the groups gnomAD compares: Admixed American, 0.005%; no homozygotes.

Submissions (4):

Ambry Genetics
Classification: Uncertain significance for Inborn genetic diseases. Last evaluated: 2025-01-24. Review status: criteria provided, single submitter. Criteria: Ambry Variant Classification Scheme 2023. Collection method: clinical testing. Allele origin: germline.

GeneDx
Classification: Uncertain significance. Last evaluated: 2024-02-13. Review status: criteria provided, single submitter. Criteria: GeneDx Variant Classification Process June 2021. Collection method: clinical testing. Allele origin: germline. Affected: yes.
Comment: Not observed at significant frequency in large population cohorts (gnomAD); In silico analysis supports that this missense variant has a deleterious effect on protein structure/function; Has not been previously published as pathogenic or benign to our knowledge; This variant is associated with the following publications: (PMID: 25471517)

Labcorp Genetics (formerly Invitae), Labcorp
Classification: Uncertain significance. Last evaluated: 2021-08-12. Review status: criteria provided, single submitter. Criteria: Invitae Variant Classification Sherloc (09022015). Collection method: clinical testing. Allele origin: germline.

New York Genome Center
Classification: Uncertain significance for Diffuse cerebral and cerebellar atrophy - intractable seizures - progressive microcephaly syndrome. Last evaluated: 2020-04-20. Review status: criteria provided, single submitter. Criteria: NYGC Assertion Criteria 2020. Collection method: clinical testing. Allele origin: germline. Inheritance: Autosomal recessive inheritance. Observed: 1 homozygote. Study: CSER-NYCKidSeq.
Comment: The homozygous c.1170G>A (p.Met390Ile) variant identified in the QARS1 gene substitutes a well conserved Methionine for Isoleucine at amino acid 390/776 (coding exon 14/24). This variant is found with low frequency in gnomAD (2 heterozygotes, 0 homozygotes; allele frequency: 1.40e-5) suggesting it is not a common benign variant in the populations represented in this database. In silico algorithms predict this variant to be Deleterious (Provean; score: -3.68) and Damaging (SIFT; score:0.000) to the function of the canonical transcript. This variant is reported as a Variant of Uncertain Significance in ClinVar (VarID:573149) and to our current knowledge has not been reported in affected individuals in the literature. The p.Met390 residue is within the catalytic domain of QARS1 (UniProtKB; P47897), where other missense variants have been reported [PMID:32042906; PMID:25471517]. Given the lack of compelling evidence for its pathogenicity, the homozygous c.1170G>A (p.Met390Ile) variant identified in the QARS1 gene is reported here as a Variant of Uncertain Significance.